The following is an entry in ClinVar:

ClinVar aggregate classification (germline): Pathogenic. Review status: criteria provided, single submitter (1 of 4 stars). 2 submissions from 2 submitters: Pathogenic (1). 1 of the submissions does not count toward it. Last evaluated 2022-08-16.

Conditions:
Spondyloepimetaphyseal dysplasia-short limb-abnormal calcification syndrome (SMED-SL). Also called: SMED, TYPE II; SMED-SL/AC; SMED short limb-hand type; SMED type 2; Spondylometaepiphyseal dysplasia short limb-abnormal calcification type; Smed short limb-abnormal calcification type. Identifiers: Orphanet 93358, MedGen C1849011, MONDO:0010077, OMIM 271665.

Allele frequency attached by ClinVar (database versions not stated): gnomAD exomes below 0.00001.
gnomAD v4.1: 1 of 1,614,016 alleles (0.000062%); highest among the groups gnomAD compares: South Asian, 0.0011%; no homozygotes.

Submissions (2):

Labcorp Genetics (formerly Invitae), Labcorp
Classification: Pathogenic. Last evaluated: 2022-08-16. Review status: criteria provided, single submitter. Criteria: Invitae Variant Classification Sherloc (09022015). Collection method: clinical testing. Allele origin: germline.
Comment: For these reasons, this variant has been classified as Pathogenic. This sequence change replaces glutamic acid, which is acidic and polar, with lysine, which is basic and polar, at codon 113 of the DDR2 protein (p.Glu113Lys). This variant is not present in population databases (gnomAD no frequency). This missense change has been observed in individuals with clinical features of DDR2-related conditions (PMID: 20223752; Invitae). It has also been observed to segregate with disease in related individuals. ClinVar contains an entry for this variant (Variation ID: 60759). Algorithms developed to predict the effect of missense changes on protein structure and function are either unavailable or do not agree on the potential impact of this missense change (SIFT: "Deleterious"; PolyPhen-2: "Probably Damaging"; Align-GVGD: "Class C0"). Experimental studies have shown that this missense change affects DDR2 function (PMID: 20223752, 29904280).

OMIM
Classification: Pathogenic for SPONDYLOMETAEPIPHYSEAL DYSPLASIA, SHORT LIMB-HAND TYPE. Last evaluated: 2010-06-01. Review status: no assertion criteria provided. Collection method: literature only. Allele origin: germline. Not counted in ClinVar's aggregate classification.

Literature cited by the submitters: PubMed 20223752 (cited by Labcorp Genetics (formerly Invitae), Labcorp and OMIM); PubMed 29904280 (cited by Labcorp Genetics (formerly Invitae), Labcorp).

NM_006182.4(DDR2):c.337G>A (p.Glu113Lys)

Gene: DDR2 (discoidin domain receptor tyrosine kinase 2; plus strand). Cytogenetic location: 1q23.3.
Variant type: single nucleotide variant.
Coding change: c.337G>A on transcript NM_006182.4 (MANE Select); coding-DNA position 337, G replaced by A.
Protein change: p.Glu113Lys; replaces glutamic acid 113 with lysine.
Molecular consequence: missense variant.
Genome position (GRCh38, 1-based): chr1:162,754,775, G>A. VCF-style: chr1-162754775-G-A. GRCh37 (hg19) VCF-style: chr1-162724565-G-A.
Other names: c.337G>A, p.Glu113Lys (LRG_1390t1, NM_001014796.3, NM_001354982.2 and 1 more transcripts); short protein forms E113K.
Identifiers: ClinVar variation 60759 (VCV000060759.6), dbSNP rs397514747, ClinGen allele CA144659.